The following is an entry in ClinVar:

ClinVar aggregate classification (germline): Uncertain significance (1 of 4 stars; one submission).

Conditions:
Neuronal ceroid lipofuscinosis. Also called: Neuronal Ceroid Lipofuscinoses. Identifiers: Orphanet 216, Orphanet 79263, MedGen C0027877, MONDO:0016295. Disease mechanism: loss of function.

Submission:

Labcorp Genetics (formerly Invitae), Labcorp
Classification: Uncertain significance for Neuronal ceroid lipofuscinosis. Last evaluated: 2022-10-24. Review status: criteria provided, single submitter. Criteria: Invitae Variant Classification Sherloc (09022015). Collection method: clinical testing. Allele origin: germline.
Comment: This variant is not present in population databases (gnomAD no frequency). This sequence change replaces proline, which is neutral and non-polar, with arginine, which is basic and polar, at codon 107 of the CLN3 protein (p.Pro107Arg). This variant has not been reported in the literature in individuals affected with CLN3-related conditions. In summary, the available evidence is currently insufficient to determine the role of this variant in disease. Therefore, it has been classified as a Variant of Uncertain Significance. Advanced modeling of protein sequence and biophysical properties (such as structural, functional, and spatial information, amino acid conservation, physicochemical variation, residue mobility, and thermodynamic stability) performed at Invitae indicates that this missense variant is expected to disrupt CLN3 protein function.

NM_001042432.2(CLN3):c.320C>G (p.Pro107Arg)

Gene: CLN3 (CLN3 lysosomal/endosomal transmembrane protein, battenin; minus strand). Cytogenetic location: 16p12.1.
Variant type: single nucleotide variant.
Coding change: c.320C>G on transcript NM_001042432.2 (MANE Select); coding-DNA position 320, C replaced by G.
Protein change: p.Pro107Arg; replaces proline 107 with arginine.
Molecular consequence: missense variant. On other transcripts: intron variant (1).
Genome position (GRCh38, 1-based): chr16:28,487,716, G>C on the plus strand (C>G on the coding strand, the complement: CLN3 is on the minus strand). VCF-style: chr16-28487716-G-C. GRCh37 (hg19) VCF-style: chr16-28499037-G-C.
Other names: c.320C>G, p.Pro107Arg (NM_000086.2); c.248C>G, p.Pro83Arg (NM_001286104.2); c.86C>G, p.Pro29Arg (NM_001286109.2); c.158C>G, p.Pro53Arg (NM_001286110.2); c.75-175C>G (NM_001286105.2); short protein forms P29R, P83R, P53R, P107R.
Identifiers: ClinVar variation 2106878 (VCV002106878.4), dbSNP rs1231056238, ClinGen allele CA395346114.
Genomic context (GRCh38, chr16:28,487,716, plus strand): 5'-CCAGACCTGTAGGGCAGCAGGTGAAGGCCAAGAGGAGCCAACAATTTGATGACGAGTGTG[G>C]GGAGGATGTCCGCCAGGAGCACAGCCTGGGACAGGAGAATAGAGTGAGACCGCAGAGCTT-3'
Protein context (NP_001035897.1, residues 97-117): TAAVLLADIL[Pro107Arg]TLVIKLLAPL